The following is an entry in ClinVar:

ClinVar aggregate classification (germline): Uncertain significance (1 of 4 stars; one submission).

Conditions:
Autosomal recessive early-onset Parkinson disease 6 (PARK6). Also called: PARKINSON DISEASE 6, MODIFIER OF; PARKINSON DISEASE 6, EARLY-ONSET; PINK1 Type of Young-Onset Parkinson Disease; PINK1-Related Parkinson Disease. Identifiers: Orphanet 2828, MedGen C1853833, MONDO:0011613, OMIM 605909.

Allele frequency attached by ClinVar (database versions not stated): gnomAD exomes below 0.00001; ExAC 0.00001.
gnomAD v4.1: 3 of 1,614,168 alleles (0.00019%); highest among the groups gnomAD compares: Admixed American, 0.0017%; no homozygotes.

Submission:

Labcorp Genetics (formerly Invitae), Labcorp
Classification: Uncertain significance for Autosomal recessive early-onset Parkinson disease 6. Last evaluated: 2022-08-15. Review status: criteria provided, single submitter. Criteria: Invitae Variant Classification Sherloc (09022015). Collection method: clinical testing. Allele origin: germline.
Comment: This sequence change replaces glutamic acid, which is acidic and polar, with aspartic acid, which is acidic and polar, at codon 392 of the PINK1 protein (p.Glu392Asp). This variant is present in population databases (rs777439010, gnomAD 0.006%). This variant has not been reported in the literature in individuals affected with PINK1-related conditions. Algorithms developed to predict the effect of missense changes on protein structure and function (SIFT, PolyPhen-2, Align-GVGD) all suggest that this variant is likely to be tolerated. In summary, the available evidence is currently insufficient to determine the role of this variant in disease. Therefore, it has been classified as a Variant of Uncertain Significance.

NM_032409.3(PINK1):c.1176G>C (p.Glu392Asp)

Genes: PINK1 (PTEN induced kinase 1; plus strand), PINK1-AS (PINK1 antisense RNA; minus strand). Cytogenetic location: 1p36.12.
Variant type: single nucleotide variant.
Coding change: c.1176G>C on transcript NM_032409.3 (MANE Select); coding-DNA position 1176, G replaced by C.
Protein change: p.Glu392Asp; replaces glutamic acid 392 with aspartic acid.
Molecular consequence: missense variant. On other transcripts: non-coding transcript variant (1).
Genome position (GRCh38, 1-based): chr1:20,648,557, G>C. VCF-style: chr1-20648557-G-C. GRCh37 (hg19) VCF-style: chr1-20975050-G-C.
Other names: short protein forms E392D.
Identifiers: ClinVar variation 1983417 (VCV001983417.1), dbSNP rs777439010, ClinGen allele CA660728.